The following is an entry in ClinVar:

NM_000179.3(MSH6):c.1752T>A (p.Thr584=)

Gene: MSH6 (mutS homolog 6; plus strand). Cytogenetic location: 2p16.3.
Variant type: single nucleotide variant.
Coding change: c.1752T>A on transcript NM_000179.3 (MANE Select); coding-DNA position 1752, T replaced by A.
Protein change: p.Thr584=; no amino-acid change (threonine 584 retained).
Molecular consequence: synonymous variant. On other transcripts: non-coding transcript variant (4), intron variant (2).
Genome position (GRCh38, 1-based): chr2:47,799,735, T>A. VCF-style: chr2-47799735-T-A. GRCh37 (hg19) VCF-style: chr2-48026874-T-A.
Other names: c.1362T>A, p.Thr454= (NM_001281492.2); c.846T>A, p.Thr282= (NM_001281493.2, NM_001281494.2, NM_001406811.1 and 6 more transcripts); c.1848T>A, p.Thr616= (NM_001406795.1, NM_001406802.1); c.1752T>A, p.Thr584= (NM_001406796.1, NM_001406798.1, NM_001406800.1 and 3 more transcripts); c.1455T>A, p.Thr485= (NM_001406797.1, NM_001406801.1, NM_001406805.1 and 10 more transcripts); c.1227T>A, p.Thr409= (NM_001406799.1, NM_001406806.1, NM_001406807.1); c.1674T>A, p.Thr558= (NM_001406804.1); c.1758T>A, p.Thr586= (NM_001406813.1); and 3 more.
Identifiers: ClinVar variation 3904304 (VCV003904304.2).
Genomic context (GRCh38, chr2:47,799,735, plus strand): 5'-ACTGGGAAAGTTTTTCATAGGTCAGTTTTCAGATGATCGCCATTGTTCGAGATTTAGGAC[T>A]CTAGTGGCACACTATCCCCCAGTACAAGTTTTATTTGAAAAAGGAAATCTCTCAAAGGAA-3'
Protein context (NP_000170.1, residues 574-594): SDDRHCSRFR[Thr584=]LVAHYPPVQV

ClinVar aggregate classification (germline): Benign/Likely benign. Review status: criteria provided, multiple submitters, no conflicts (2 of 4 stars). 2 submissions from 2 submitters: Benign (1); Likely benign (1). Last evaluated 2026-09-11.

Conditions:
Lynch syndrome 5 (LYNCH5). Also called: Hereditary non-polyposis colorectal cancer, type 5; Colorectal cancer, hereditary nonpolyposis, type 5. Identifiers: Orphanet 144, MedGen C1833477, MONDO:0013710, OMIM 614350. Disease mechanism: loss of function.
Hereditary cancer-predisposing syndrome. Also called: Hereditary Cancer Syndrome; Hereditary neoplastic syndrome; Neoplastic Syndromes, Hereditary; Tumor predisposition. Identifiers: Orphanet 140162, MedGen C0027672, MeSH D009386, MONDO:0015356.

Submissions (2):

Ambry Genetics
Classification: Likely benign for Hereditary cancer-predisposing syndrome. Last evaluated: 2026-09-11. Review status: criteria provided, single submitter. Criteria: Ambry Variant Classification Scheme 2023. Collection method: clinical testing. Allele origin: germline.

Myriad Genetics, Inc.
Classification: Benign for Lynch syndrome 5. Last evaluated: 2024-12-27. Review status: criteria provided, single submitter. Criteria: Myriad Autosomal Dominant, Autosomal Recessive and X-Linked Classification Criteria (2023). Collection method: clinical testing. Allele origin: unknown.
Comment: This variant is considered benign. This variant is a silent/synonymous amino acid change and it is not expected to impact splicing.